The following is an entry in ClinVar:

ClinVar aggregate classification (germline): Uncertain significance (1 of 4 stars; one submission).

Allele frequency attached by ClinVar (database versions not stated): gnomAD exomes below 0.00001.
gnomAD v4.1: 1 of 1,545,118 alleles (0.000065%); highest among the groups gnomAD compares: East Asian, 0.0024%; no homozygotes.

Submission:

GeneDx
Classification: Uncertain significance. Last evaluated: 2022-06-03. Review status: criteria provided, single submitter. Criteria: GeneDx Variant Classification Process June 2021. Collection method: clinical testing. Allele origin: germline. Affected: yes.
Comment: Not observed at significant frequency in large population cohorts (gnomAD); In silico analysis supports that this missense variant has a deleterious effect on protein structure/function; Has not been previously published as pathogenic or benign to our knowledge

NM_020928.2(ZSWIM6):c.707C>G (p.Pro236Arg)

Gene: ZSWIM6 (zinc finger SWIM-type containing 6; plus strand). Cytogenetic location: 5q12.1.
Variant type: single nucleotide variant.
Coding change: c.707C>G on transcript NM_020928.2 (MANE Select); coding-DNA position 707, C replaced by G.
Protein change: p.Pro236Arg; replaces proline 236 with arginine.
Molecular consequence: missense variant.
Genome position (GRCh38, 1-based): chr5:61,472,711, C>G. VCF-style: chr5-61472711-C-G. GRCh37 (hg19) VCF-style: chr5-60768538-C-G.
Other names: short protein forms P236R.
Identifiers: ClinVar variation 1801950 (VCV001801950.1), dbSNP rs2479004871, ClinGen allele CA359941291.